The following is an entry in ClinVar:

ClinVar aggregate classification (germline): Likely pathogenic. Review status: criteria provided, multiple submitters, no conflicts (2 of 4 stars). 2 submissions from 2 submitters: Likely pathogenic (2). Last evaluated 2026-07-20.

Conditions:
Glutaric acidemia type 2A.
ETFA-related disorder. Also called: ETFA-related condition.

Submissions (2):

PreventionGenetics, part of Exact Sciences
Classification: Likely pathogenic for ETFA-related condition. Last evaluated: 2026-07-20. Review status: criteria provided, single submitter. Criteria: ACMG Guidelines, 2015. Collection method: clinical testing. Allele origin: germline.
Comment: The ETFA c.255dupA variant is predicted to result in a frameshift and premature protein termination (p.Gly86Argfs*43). To our knowledge, this variant has not been reported in the literature or in a large population database (gnomAD), indicating this variant is rare. Frameshift variants in ETFA are expected to be pathogenic. This variant is interpreted as likely pathogenic.

Natera, Inc.
Classification: Likely pathogenic for Glutaric acidemia type 2A. Last evaluated: 2025-02-20. Review status: criteria provided, single submitter. Criteria: Natera Variant Classification Schema (03/2026). Collection method: clinical testing. Allele origin: germline.
Comment: The c.255dupA variant in ETFA is a frameshift variant predicted to shift the reading frame beginning at codon 86 and leads to a stop codon 43 codons downstream. This variant is expected to result in nonsense mediated decay, truncation, or a dysfunctional protein product. This variant is rare in the general population with a frequency below the threshold expected for the associated phenotype(s). Given the available evidence, this variant is classified as Likely Pathogenic.

NM_000126.4(ETFA):c.255dup (p.Gly86fs)

Gene: ETFA (electron transfer flavoprotein subunit alpha; minus strand). Cytogenetic location: 15q24.2.
Variant type: Duplication.
Coding change: c.255dup on transcript NM_000126.4 (MANE Select); coding-DNA position 255, one base duplicated (A; older notation c.255dupA).
Protein change: p.Gly86fs; shifts the reading frame from glycine 86.
Molecular consequence: frameshift variant.
Genome position (GRCh38, 1-based): chr15:76,292,632, T duplicated on the plus strand (A on the coding strand, the reverse complement: ETFA is on the minus strand); the first of 3 consecutive T bases (chr15:76,292,632-76,292,634); duplicating any one gives the same sequence. VCF-style (leftmost placement, unchanged base first): chr15-76292631-C-CT. GRCh37 (hg19) VCF-style: chr15-76584972-C-CT.
Other names: c.108dup, p.Gly37fs (NM_001127716.2); short protein forms G37fs, G86fs.
Identifiers: ClinVar variation 4817470 (VCV004817470.2).